The following is an entry in ClinVar:

ClinVar aggregate classification (germline): Uncertain significance (1 of 4 stars; one submission).

Conditions:
Autosomal recessive limb-girdle muscular dystrophy type 2A (LGMDR1). Also called: Muscular dystrophy, limb-girdle, type 2A, Amish; Limb-girdle muscular dystrophy, type 2A; Calpainopathy; LEYDEN-MOEBIUS MUSCULAR DYSTROPHY; MUSCULAR DYSTROPHY, PELVOFEMORAL. Identifiers: Orphanet 267, MedGen C1869123, MONDO:0009675, OMIM 253600. Disease mechanism: loss of function.

Submission:

Myriad Genetics, Inc.
Classification: Uncertain significance for Autosomal recessive limb-girdle muscular dystrophy type 2A. Last evaluated: 2026-02-25. Review status: criteria provided, single submitter. Criteria: Myriad Autosomal Dominant, Autosomal Recessive and X-Linked Classification Criteria (2023). Collection method: clinical testing. Allele origin: unknown.
Comment: NM_000070.2(CAPN3):c.695C>T(T232I) is a missense variant classified as a variant of uncertain significance in the context of calpainopathy. T232I has been observed in a case with relevant disease (PMID: 10330340). Relevant functional assessments of this variant are not available in the literature. T232I has not been observed in referenced population frequency databases. In summary, there is insufficient evidence to classify NM_000070.2(CAPN3):c.695C>T(T232I) as pathogenic or benign. Please note: this variant was assessed in the context of healthy population screening.

Literature cited by the submitters: PubMed 10330340.

NM_000070.3(CAPN3):c.695C>T (p.Thr232Ile)

Gene: CAPN3 (calpain 3; plus strand). Cytogenetic location: 15q15.1.
Variant type: single nucleotide variant.
Coding change: c.695C>T on transcript NM_000070.3 (MANE Select); coding-DNA position 695, C replaced by T.
Protein change: p.Thr232Ile; replaces threonine 232 with isoleucine.
Molecular consequence: missense variant.
Genome position (GRCh38, 1-based): chr15:42,388,990, C>T. VCF-style: chr15-42388990-C-T. GRCh37 (hg19) VCF-style: chr15-42681188-C-T.
Other names: c.695C>T, p.Thr232Ile (NM_024344.2, NM_173087.2); short protein forms T232I.
Identifiers: ClinVar variation 5003253 (VCV005003253.1).